The following is an entry in ClinVar:

NM_001364905.1(LRBA):c.8450C>T (p.Ala2817Val)

Gene: LRBA (LPS responsive beige-like anchor protein; minus strand). Cytogenetic location: 4q31.3.
Variant type: single nucleotide variant.
Coding change: c.8450C>T on transcript NM_001364905.1 (MANE Select); coding-DNA position 8450, C replaced by T.
Protein change: p.Ala2817Val; replaces alanine 2817 with valine.
Molecular consequence: missense variant.
Genome position (GRCh38, 1-based): chr4:150,277,871, G>A on the plus strand (C>T on the coding strand, the complement: LRBA is on the minus strand). VCF-style: chr4-150277871-G-A. GRCh37 (hg19) VCF-style: chr4-151199023-G-A.
Other names: c.8447C>T, p.Ala2816Val (NM_001199282.3); c.8465C>T, p.Ala2822Val (NM_001367550.1); c.8483C>T, p.Ala2828Val (NM_006726.5); short protein forms A2817V, A2828V, A2816V, A2822V.
Identifiers: ClinVar variation 809687 (VCV000809687.51), dbSNP rs142943481, ClinGen allele CA3101342.

ClinVar aggregate classification (germline): Uncertain significance. Review status: criteria provided, multiple submitters, no conflicts (2 of 4 stars). 3 submissions from 3 submitters: Uncertain significance (3). Last evaluated 2022-11-11.

Conditions:
Combined immunodeficiency due to LRBA deficiency. Also called: Common variable immunodeficiency 8, with autoimmunity. Identifiers: Orphanet 445018, MedGen C3553512, MONDO:0013863, OMIM 614700.

Allele frequency attached by ClinVar (database versions not stated): ExAC 0.00002; TOPMed 0.00003; ESP Exome Variant Server 0.00008.
gnomAD v4.1: 39 of 1,613,920 alleles (0.0024%); highest among the groups gnomAD compares: South Asian, 0.0066%; no homozygotes.

Submissions (3):

Blueprint Genetics
Classification: Uncertain significance. Last evaluated: 2022-11-11. Review status: criteria provided, single submitter. Criteria: ACMG Guidelines, 2015. Collection method: clinical testing. Allele origin: germline.

Labcorp Genetics (formerly Invitae), Labcorp
Classification: Uncertain significance for Combined immunodeficiency due to LRBA deficiency. Last evaluated: 2019-02-20. Review status: criteria provided, single submitter. Criteria: Invitae Variant Classification Sherloc (09022015). Collection method: clinical testing. Allele origin: germline.
Comment: This variant is present in population databases (rs142943481, ExAC 0.006%). This sequence change replaces alanine with valine at codon 2828 of the LRBA protein (p.Ala2828Val). The alanine residue is moderately conserved and there is a small physicochemical difference between alanine and valine. In summary, the available evidence is currently insufficient to determine the role of this variant in disease. Therefore, it has been classified as a Variant of Uncertain Significance. Algorithms developed to predict the effect of missense changes on protein structure and function are either unavailable or do not agree on the potential impact of this missense change (SIFT: "Tolerated"; PolyPhen-2: "Probably Damaging"; Align-GVGD: "Class C0"). This variant has not been reported in the literature in individuals with LRBA-related conditions.

CeGaT Center for Human Genetics Tuebingen
Classification: Uncertain significance. Last evaluated: 2018-10-01. Review status: criteria provided, single submitter. Criteria: CeGaT Center For Human Genetics Tuebingen Variant Classification Criteria Version 2. Collection method: clinical testing. Allele origin: germline. Affected: yes. Observed: 1 variant allele.